The following is an entry in ClinVar:

ClinVar aggregate classification (germline): Uncertain significance. Review status: criteria provided, multiple submitters, no conflicts (2 of 4 stars). 4 submissions from 4 submitters: Uncertain significance (3). 1 of the submissions does not count toward it. Last evaluated 2025-03-04.

Conditions:
Congenital factor V deficiency. Also called: LABILE FACTOR DEFICIENCY; Hereditary factor V deficiency disease; OWREN PARAHEMOPHILIA; PARAHEMOPHILIA. Identifiers: Orphanet 326, MedGen C0015499, MONDO:0009210, OMIM 227400.

Allele frequency attached by ClinVar (database versions not stated): ESP Exome Variant Server 0.00008; TOPMed 0.00009; gnomAD 0.00015 and 0.00016; gnomAD exomes 0.00018; ExAC 0.00022.
gnomAD v4.1: 252 of 1,613,132 alleles (0.016%); highest among the groups gnomAD compares: Non-Finnish European, 0.014%; no homozygotes.

Submissions (4):

Center for Genomic Medicine, Rigshospitalet, Copenhagen University Hospital
Classification: Uncertain significance. Last evaluated: 2025-03-04. Review status: criteria provided, single submitter. Criteria: ACMG Guidelines, 2015. Collection method: clinical testing. Allele origin: germline.

Blueprint Genetics
Classification: Uncertain significance. Last evaluated: 2024-04-24. Review status: criteria provided, single submitter. Criteria: ACMG Guidelines, 2015. Collection method: clinical testing. Allele origin: germline.

Labcorp Genetics (formerly Invitae), Labcorp
Classification: Uncertain significance for Congenital factor V deficiency. Last evaluated: 2024-01-06. Review status: criteria provided, single submitter. Criteria: Invitae Variant Classification Sherloc (09022015). Collection method: clinical testing. Allele origin: germline.
Comment: This sequence change replaces threonine, which is neutral and polar, with methionine, which is neutral and non-polar, at codon 2134 of the F5 protein (p.Thr2134Met). This variant is present in population databases (rs199601865, gnomAD 0.1%). This variant has not been reported in the literature in individuals affected with F5-related conditions. ClinVar contains an entry for this variant (Variation ID: 1049414). An algorithm developed to predict the effect of missense changes on protein structure and function (PolyPhen-2) suggests that this variant is likely to be disruptive. In summary, the available evidence is currently insufficient to determine the role of this variant in disease. Therefore, it has been classified as a Variant of Uncertain Significance.

Department of Pathology and Laboratory Medicine, Sinai Health System
Classification: Uncertain significance. Review status: no assertion criteria provided. Collection method: clinical testing. Allele origin: unknown. Affected: yes. Study: The Canadian Open Genetics Repository (COGR). Not counted in ClinVar's aggregate classification.
Comment: The F5 p.Thr2134Met variant was not identified in ClinVar but was identified in dbSNP (ID: rs199601865), Cosmic (FATHMM pathogenic prediction, score=0.89) and LOVD 3.0. The variant was identified in control databases in 61 of 282186 chromosomes at a frequency of 0.000216 (Genome Aggregation Database Feb 27, 2017). The variant was observed in the following populations: Ashkenazi Jewish in 11 of 10358 chromosomes (freq: 0.001062), European (Finnish) in 13 of 25020 chromosomes (freq: 0.00052), Other in 3 of 7210 chromosomes (freq: 0.000416), European (non-Finnish) in 33 of 128742 chromosomes (freq: 0.000256) and South Asian in 1 of 30612 chromosomes (freq: 0.000033); it was not observed in the African, Latino, and East Asian populations. The p.T2134M variant was identified in 1/26 patients (freq=0.019) with thrombotic storm (Nuytemans_2018_PMID: 29178990). The p.Thr2134 residue is conserved across mammals and other organisms, and four out of five computational analyses (PolyPhen-2, SIFT, BLOSUM, MutationTaster) suggest that the variant may impact the protein; however, this information is not predictive enough to assume pathogenicity. The variant occurs outside of the splicing consensus sequence and in silico or computational prediction software programs (SpliceSiteFinder, MaxEntScan, NNSPLICE, GeneSplicer) do not predict a difference in splicing. In summary, based on the above information the clinical significance of this variant cannot be determined with certainty at this time. This variant is classified as a variant of uncertain significance.

NM_000130.5(F5):c.6401C>T (p.Thr2134Met)

Gene: F5 (coagulation factor V; minus strand). Cytogenetic location: 1q24.2.
Variant type: single nucleotide variant.
Coding change: c.6401C>T on transcript NM_000130.5 (MANE Select); coding-DNA position 6401, C replaced by T.
Protein change: p.Thr2134Met; replaces threonine 2134 with methionine.
Molecular consequence: missense variant.
Genome position (GRCh38, 1-based): chr1:169,515,571, G>A on the plus strand (C>T on the coding strand, the complement: F5 is on the minus strand). VCF-style: chr1-169515571-G-A. GRCh37 (hg19) VCF-style: chr1-169484809-G-A.
Other names: short protein forms T2134M.
Identifiers: ClinVar variation 1049414 (VCV001049414.5), dbSNP rs199601865, ClinGen allele CA1233234.